The following is an entry in ClinVar:

NM_006235.3(POU2AF1):c.16+68T>C

Gene: POU2AF1 (POU class 2 homeobox associating factor 1; minus strand). Cytogenetic location: 11q23.1.
Variant type: single nucleotide variant.
Coding change: c.16+68T>C on transcript NM_006235.3 (MANE Select); 68 bases into the intron after coding-DNA position 16, T replaced by C.
Molecular consequence: intron variant.
Genome position (GRCh38, 1-based): chr11:111,379,094, A>G on the plus strand (T>C on the coding strand, the complement: POU2AF1 is on the minus strand). VCF-style: chr11-111379094-A-G. GRCh37 (hg19) VCF-style: chr11-111249819-A-G.
Identifiers: ClinVar variation 2687936 (VCV002687936.2), dbSNP rs10789825, ClinGen allele CA13492173.

ClinVar aggregate classification (germline): Benign (1 of 4 stars; one submission).

Allele frequency attached by ClinVar (database versions not stated): TOPMed 0.58562; ESP Exome Variant Server 0.60118; gnomAD exomes 0.65441; 1000 Genomes Project 0.47304; 1000 Genomes Project 30x 0.47658; gnomAD 0.58017.

Submission:

Unidad de Genómica Garrahan, Hospital de Pediatría Garrahan
Classification: Benign. Last evaluated: 2024-01-24. Review status: criteria provided, single submitter. Criteria: ACMG Guidelines, 2015. Collection method: clinical testing. Allele origin: germline. Affected: no. Observed: 89 variant alleles.
Comment: This variant is classified as Benign based on local population frequency. This variant was detected in 94% of patients studied by a panel of primary immunodeficiencies. Number of patients: 89. Only high quality variants are reported.